The following is an entry in ClinVar:

ClinVar aggregate classification (germline): Likely benign (1 of 4 stars; one submission).

Allele frequency attached by ClinVar (database versions not stated): 1000 Genomes Project 0.00020; ExAC 0.00108; gnomAD 0.00109; gnomAD exomes 0.00116; TOPMed 0.00128; 1000 Genomes Project 30x 0.00016; ESP Exome Variant Server 0.00131.
gnomAD v4.1: 1,939 of 1,611,796 alleles (0.12%); highest among the groups gnomAD compares: Middle Eastern, 1.7%; 15 homozygotes.

Submission:

CeGaT Center for Human Genetics Tuebingen
Classification: Likely benign. Last evaluated: 2024-01-01. Review status: criteria provided, single submitter. Criteria: CeGaT Center For Human Genetics Tuebingen Variant Classification Criteria Version 2. Collection method: clinical testing. Allele origin: germline. Affected: yes. Observed: 1 variant allele.
Comment: EPHA8: BP4

NM_020526.5(EPHA8):c.2179-7C>T

Gene: EPHA8 (EPH receptor A8; plus strand). Cytogenetic location: 1p36.12.
Variant type: single nucleotide variant.
Coding change: c.2179-7C>T on transcript NM_020526.5 (MANE Select); 7 bases into the intron before coding-DNA position 2179, C replaced by T.
Molecular consequence: intron variant.
Genome position (GRCh38, 1-based): chr1:22,598,831, C>T. VCF-style: chr1-22598831-C-T. GRCh37 (hg19) VCF-style: chr1-22925324-C-T.
Identifiers: ClinVar variation 3025027 (VCV003025027.22), dbSNP rs200414318, ClinGen allele CA677301.